The following is an entry in ClinVar:

NM_004333.6(BRAF):c.951C>A (p.Ser317=)

Gene: BRAF (B-Raf proto-oncogene, serine/threonine kinase; minus strand). Cytogenetic location: 7q34.
Variant type: single nucleotide variant.
Coding change: c.951C>A on transcript NM_004333.6 (MANE Select); coding-DNA position 951, C replaced by A.
Protein change: p.Ser317=; no amino-acid change (serine 317 retained).
Molecular consequence: synonymous variant.
Genome position (GRCh38, 1-based): chr7:140,800,391, G>T on the plus strand (C>A on the coding strand, the complement: BRAF is on the minus strand). VCF-style: chr7-140800391-G-T. GRCh37 (hg19) VCF-style: chr7-140500191-G-T.
Other names: c.951C>A, p.Ser317= (NM_001354609.2, NM_001374244.1, NM_001374258.1 and 4 more transcripts); c.687C>A, p.Ser229= (NM_001378475.1); c.960C>A, p.Ser320= (NM_001378467.1); c.849C>A, p.Ser283= (NM_001378470.1); c.795C>A, p.Ser265= (NM_001378472.1, NM_001378473.1).
Identifiers: ClinVar variation 633084 (VCV000633084.44), dbSNP rs755298519, ClinGen allele CA4516870.
Genomic context (GRCh38, chr7:140,800,391, plus strand): 5'-ATGTCGCCCAAGAGCAGAAGTCAAACCATACCCAATAGAGTCCGAGGCGGGTGCGGAAGG[G>T]GATGATCCAGATGTTAGGGCAGTCTCTGCTAAGGACGCCTCTTCCTGTGGTATTGGGTGG-3'
Protein context (NP_004324.2, residues 307-327): LAETALTSGS[Ser317=]PSAPASDSIG

ClinVar aggregate classification (germline): Benign/Likely benign. Review status: criteria provided, multiple submitters, no conflicts (2 of 4 stars). 6 submissions from 6 submitters: Benign (1); Likely benign (4). 1 of the submissions does not count toward it. Last evaluated 2026-01-05.

Conditions:
Cardiovascular phenotype. Identifiers: MedGen CN230736.
RASopathy. Also called: rasopathies; Noonan spectrum disorder. Identifiers: Orphanet 536391, MedGen C5555857, MONDO:0021060.
BRAF-related disorder. Also called: BRAF-related condition.

Allele frequency attached by ClinVar (database versions not stated): gnomAD 0.00001 and 0.00002; ExAC 0.00002; gnomAD exomes 0.00002 and 0.00006; TOPMed 0.00009.
gnomAD v4.1: 34 of 1,614,040 alleles (0.0021%); highest among the groups gnomAD compares: Admixed American, 0.027%; no homozygotes.

Submissions (6):

Labcorp Genetics (formerly Invitae), Labcorp
Classification: Likely benign for RASopathy. Last evaluated: 2026-01-05. Review status: criteria provided, single submitter. Criteria: Invitae Variant Classification Sherloc (09022015). Collection method: clinical testing. Allele origin: germline.

Blueprint Genetics
Classification: Likely benign. Last evaluated: 2024-04-29. Review status: criteria provided, single submitter. Criteria: ACMG Guidelines, 2015. Collection method: clinical testing. Allele origin: germline.

Ambry Genetics
Classification: Likely benign for Cardiovascular phenotype. Last evaluated: 2024-03-08. Review status: criteria provided, single submitter. Criteria: Ambry Variant Classification Scheme 2023. Collection method: clinical testing. Allele origin: germline.

CeGaT Center for Human Genetics Tuebingen
Classification: Likely benign. Last evaluated: 2021-11-01. Review status: criteria provided, single submitter. Criteria: CeGaT Center For Human Genetics Tuebingen Variant Classification Criteria Version 2. Collection method: clinical testing. Allele origin: germline. Affected: yes. Observed: 1 variant allele.

Women's Health and Genetics/Laboratory Corporation of America, LabCorp
Classification: Benign. Last evaluated: 2017-11-27. Review status: criteria provided, single submitter. Criteria: LabCorp Variant Classification Summary - May 2015. Collection method: clinical testing. Allele origin: germline.
Comment: Variant summary: The BRAF c.951C>A (p.Ser317Ser) variant involves the alteration of a conserved nucleotide, resulting in a synonymous change. One in silico tool predicts a damaging outcome for this variant. 5/5 splice prediction tools predict no significant impact on normal splicing. However, these predictions have yet to be confirmed by functional studies. This variant was found in 16/246238 control chromosomes (gnomAD) at a frequency of 0.000065, which is approximately 26 times the estimated maximal expected allele frequency of a pathogenic BRAF variant (0.0000025), suggesting this variant is likely a benign polymorphism. The variant of interest has not, to our knowledge, been reported in affected individuals via publications and/or reputable databases/clinical diagnostic laboratories; nor evaluated for functional impact by in vivo/vitro studies. Taken together, this variant is classified as benign.

PreventionGenetics, part of Exact Sciences
Classification: Likely benign for BRAF-related condition. Last evaluated: 2022-03-20. Review status: no assertion criteria provided. Collection method: clinical testing. Allele origin: germline. Not counted in ClinVar's aggregate classification.
Comment: This variant is classified as likely benign based on ACMG/AMP sequence variant interpretation guidelines (Richards et al. 2015 PMID: 25741868, with internal and published modifications).